The following is an entry in ClinVar:

ClinVar aggregate classification (germline): Uncertain significance (1 of 4 stars; one submission).

gnomAD v4.1: 15 of 1,613,480 alleles (0.00093%); highest among the groups gnomAD compares: Admixed American, 0.0017%; no homozygotes.

Submission:

Labcorp Genetics (formerly Invitae), Labcorp
Classification: Uncertain significance. Last evaluated: 2026-01-08. Review status: criteria provided, single submitter. Criteria: Invitae Variant Classification Sherloc (09022015). Collection method: clinical testing. Allele origin: germline.
Comment: This sequence change replaces valine, which is neutral and non-polar, with methionine, which is neutral and non-polar, at codon 333 of the NOTCH3 protein (p.Val333Met). This variant is present in population databases (rs763453560, gnomAD 0.0009%). This variant has not been reported in the literature in individuals affected with NOTCH3-related conditions. Invitae Evidence Modeling of protein sequence and biophysical properties (such as structural, functional, and spatial information, amino acid conservation, physicochemical variation, residue mobility, and thermodynamic stability) indicates that this missense variant is not expected to disrupt NOTCH3 protein function with a negative predictive value of 95%. In summary, the available evidence is currently insufficient to determine the role of this variant in disease. Therefore, it has been classified as a Variant of Uncertain Significance.

NM_000435.3(NOTCH3):c.997G>A (p.Val333Met)

Gene: NOTCH3 (notch receptor 3; minus strand). Cytogenetic location: 19p13.12.
Variant type: single nucleotide variant.
Coding change: c.997G>A on transcript NM_000435.3 (MANE Select); coding-DNA position 997, G replaced by A.
Protein change: p.Val333Met; replaces valine 333 with methionine.
Molecular consequence: missense variant.
Genome position (GRCh38, 1-based): chr19:15,191,463, C>T on the plus strand (G>A on the coding strand, the complement: NOTCH3 is on the minus strand). VCF-style: chr19-15191463-C-T. GRCh37 (hg19) VCF-style: chr19-15302274-C-T.
Other names: short protein forms V333M.
Identifiers: ClinVar variation 4698417 (VCV004698417.1).